The following is an entry in ClinVar:

ClinVar aggregate classification (germline): Uncertain significance (1 of 4 stars; one submission).

Allele frequency attached by ClinVar (database versions not stated): gnomAD exomes below 0.00001 and 0.00002; TOPMed 0.00002; ExAC 0.00003; gnomAD 0.00003; ESP Exome Variant Server 0.00008.
gnomAD v4.1: 6 of 1,614,106 alleles (0.00037%); highest among the groups gnomAD compares: African/African-American, 0.008%; no homozygotes.

Submission:

GeneDx
Classification: Uncertain significance. Last evaluated: 2017-10-16. Review status: criteria provided, single submitter. Criteria: GeneDx Variant Classification (06012015). Collection method: clinical testing. Allele origin: germline. Affected: yes.
Comment: The S721P variant has not been published as a pathogenic variant, nor has it been reported as a benign variant to our knowledge. The S721P variant is observed in 6/24,038 (0.03%) alleles from individuals of African background (Lek et al., 2016). This variant is a non-conservative amino acid substitution, which is likely to impact secondary protein structure as these residues differ in polarity, charge, size and/or other properties. In silico analysis predicts this variant is probably damaging to the protein structure/function. However, this substitution occurs at a position that is not conserved.

NM_004369.4(COL6A3):c.2161T>C (p.Ser721Pro)

Gene: COL6A3 (collagen type VI alpha 3 chain; minus strand). Cytogenetic location: 2q37.3.
Variant type: single nucleotide variant.
Coding change: c.2161T>C on transcript NM_004369.4 (MANE Select); coding-DNA position 2161, T replaced by C.
Protein change: p.Ser721Pro; replaces serine 721 with proline.
Molecular consequence: missense variant. On other transcripts: intron variant (1).
Genome position (GRCh38, 1-based): chr2:237,378,972, A>G on the plus strand (T>C on the coding strand, the complement: COL6A3 is on the minus strand). VCF-style: chr2-237378972-A-G. GRCh37 (hg19) VCF-style: chr2-238287615-A-G.
Other names: c.940T>C, p.Ser314Pro (NM_057164.5); c.1543T>C, p.Ser515Pro (NM_057165.5, NM_057167.4); c.677-1628T>C (NM_057166.5); short protein forms S721P, S515P, S314P.
Identifiers: ClinVar variation 452705 (VCV000452705.2), dbSNP rs146794191, ClinGen allele CA2189466.